The following is an entry in ClinVar:

ClinVar aggregate classification (germline): Uncertain significance (1 of 4 stars; one submission).

Submission:

Labcorp Genetics (formerly Invitae), Labcorp
Classification: Uncertain significance. Last evaluated: 2021-09-01. Review status: criteria provided, single submitter. Criteria: Invitae Variant Classification Sherloc (09022015). Collection method: clinical testing. Allele origin: germline.
Comment: This sequence change replaces histidine with glutamine at codon 753 of the PCDH15 protein (p.His753Gln). The histidine residue is highly conserved and there is a small physicochemical difference between histidine and glutamine. This variant is not present in population databases (ExAC no frequency). This variant has not been reported in the literature in individuals affected with PCDH15-related conditions. Algorithms developed to predict the effect of missense changes on protein structure and function are either unavailable or do not agree on the potential impact of this missense change (SIFT: "Tolerated"; PolyPhen-2: "Possibly Damaging"; Align-GVGD: "Class C0"). In summary, the available evidence is currently insufficient to determine the role of this variant in disease. Therefore, it has been classified as a Variant of Uncertain Significance.

NM_001384140.1(PCDH15):c.2259C>G (p.His753Gln)

Gene: PCDH15 (protocadherin related 15; minus strand). Cytogenetic location: 10q21.1.
Variant type: single nucleotide variant.
Coding change: c.2259C>G on transcript NM_001384140.1 (MANE Select); coding-DNA position 2259, C replaced by G.
Protein change: p.His753Gln; replaces histidine 753 with glutamine.
Molecular consequence: missense variant.
Genome position (GRCh38, 1-based): chr10:54,023,159, G>C on the plus strand (C>G on the coding strand, the complement: PCDH15 is on the minus strand). VCF-style: chr10-54023159-G-C. GRCh37 (hg19) VCF-style: chr10-55782919-G-C.
Other names: c.2274C>G, p.His758Gln (NM_001142763.2, NM_001142771.2); c.2259C>G, p.His753Gln (NM_001142764.2, NM_001142766.2, NM_001142770.3 and 5 more transcripts); c.2046C>G, p.His682Gln (NM_001142765.2); c.2148C>G, p.His716Gln (NM_001142767.2); c.2193C>G, p.His731Gln (NM_001142768.2, NM_001142773.2, NM_001354404.2); c.2295C>G, p.His765Gln (NM_001142769.4); c.2280C>G, p.His760Gln (NM_001354411.2); short protein forms H682Q, H716Q, H731Q, H753Q, H765Q, H760Q, H758Q.
Identifiers: ClinVar variation 1409270 (VCV001409270.5), dbSNP rs1022094120, ClinGen allele CA376523947.